The following is an entry in ClinVar:

NM_001042492.3(NF1):c.2252-3T>G

Gene: NF1 (neurofibromin 1; plus strand). Cytogenetic location: 17q11.2.
Variant type: single nucleotide variant.
Coding change: c.2252-3T>G on transcript NM_001042492.3 (MANE Select); 3 bases into the intron before coding-DNA position 2252, T replaced by G.
Molecular consequence: intron variant.
Genome position (GRCh38, 1-based): chr17:31,227,215, T>G. VCF-style: chr17-31227215-T-G. GRCh37 (hg19) VCF-style: chr17-29554233-T-G.
Other names: c.2252-3T>G (NM_000267.4).
Identifiers: ClinVar variation 374022 (VCV000374022.15), dbSNP rs1057518842, ClinGen allele CA16043522.

ClinVar aggregate classification (germline): Pathogenic/Likely pathogenic. Review status: criteria provided, multiple submitters, no conflicts (2 of 4 stars). 5 submissions from 4 submitters: Pathogenic (2); Likely pathogenic (3). Last evaluated 2025-09-16.

Conditions:
Cafe-au-lait spot. Also called: café-au-lait spots; Café au Lait; Café-au-lait spot. Identifiers: MedGen C0221263, HP:0000957.
Neurofibroma. Identifiers: Orphanet 252183, MedGen C0027830, MeSH D009455, MONDO:0016755, HP:0001067.
Inguinal freckling. Identifiers: MedGen C1834297, HP:0030052.
Axillary freckling. Identifiers: MedGen C1860335, HP:0000997.
Cafe au lait spots, multiple. Also called: Neurofibromatosis type 6. Identifiers: Orphanet 2678, MedGen C1861975, MONDO:0007245, OMIM 114030, HP:0007565. Disease mechanism: loss of function.
Hereditary cancer-predisposing syndrome. Also called: Neoplastic Syndromes, Hereditary; Hereditary Cancer Syndrome; Hereditary neoplastic syndrome; Tumor predisposition. Identifiers: Orphanet 140162, MedGen C0027672, MeSH D009386, MONDO:0015356.
Cardiovascular phenotype. Identifiers: MedGen CN230736.
Neurofibromatosis, type 1 (NF1). Also called: VON RECKLINGHAUSEN DISEASE; Peripheral type neurofibromatosis; NEUROFIBROMATOSIS, TYPE I, SOMATIC; Neurofibromatosis, type I. Identifiers: Orphanet 636, MedGen C0027831, MONDO:0018975, OMIM 162200. Disease mechanism: loss of function.

Submissions (5):

Labcorp Genetics (formerly Invitae), Labcorp
Classification: Pathogenic for Neurofibromatosis, type 1. Last evaluated: 2025-09-16. Review status: criteria provided, single submitter. Criteria: Invitae Variant Classification Sherloc (09022015). Collection method: clinical testing. Allele origin: germline.
Comment: This sequence change falls in intron 18 of the NF1 gene. It does not directly change the encoded amino acid sequence of the NF1 protein. It affects a nucleotide within the consensus splice site. This variant is not present in population databases (gnomAD no frequency). This variant has been observed in individual(s) with clinical features of neurofibromatosis type 1 (PMID: 18546366, 32126153, 35885913; internal data). In at least one individual the variant was observed to be de novo. ClinVar contains an entry for this variant (Variation ID: 374022). Variants that disrupt the consensus splice site are a relatively common cause of aberrant splicing (PMID: 17576681, 9536098). Studies have shown that this variant is associated with inconclusive levels of altered splicing (PMID: 18546366, 32126153; internal data). For these reasons, this variant has been classified as Pathogenic.

Ambry Genetics
Classification: Likely pathogenic for Cardiovascular phenotype; Hereditary cancer-predisposing syndrome. Last evaluated: 2025-06-18. Review status: criteria provided, single submitter. Criteria: Ambry Variant Classification Scheme 2023. Collection method: clinical testing. Allele origin: germline.
Comment: The c.2252-3T>G intronic variant results from a T to G substitution 3 nucleotides upstream from coding exon 19 in the NF1 gene. This variant was detected in individuals with clinical and suspected diagnosis of neurofibromatosis type 1 and reported to result in skipping of exon 19 (Pros E et al. Hum Mutat, 2008 Sep;29:E173-93; Wimmer K et al. Hum Mutat, 2020 Jun;41:1145-1156; personal communication). In silico splice site analysis predicts that this alteration will weaken the native splice acceptor site and may result in the creation or strengthening of a novel splice acceptor site. This variant is considered to be rare based on population cohorts in the Genome Aggregation Database (gnomAD). Based on the majority of available evidence to date, this variant is likely to be pathogenic.

UAB Medical Genomics Laboratory, UAB Medicine
Classification: Pathogenic for Neurofibromatosis, type 1. Last evaluated: 2020-01-20. Review status: criteria provided, single submitter. Criteria: ACMG Guidelines, 2015. Collection method: clinical testing. Allele origin: germline. Affected: yes.

Centre for Mendelian Genomics, University Medical Centre Ljubljana
Classification: Likely pathogenic for Neurofibromatosis, type 1. Last evaluated: 2016-01-01. Review status: criteria provided, single submitter. Criteria: ACMG Guidelines, 2015. Collection method: clinical testing. Allele origin: unknown. Affected: yes.
Comment: This variant was classified as: Likely pathogenic.

Centre for Mendelian Genomics, University Medical Centre Ljubljana
Classification: Likely pathogenic for Axillary freckling; Cafe-au-lait spot; Inguinal freckling; Cafe au lait spots, multiple; Neurofibroma. Last evaluated: 2015-11-04. Review status: criteria provided, single submitter. Criteria: ACMG Guidelines, 2015. Collection method: clinical testing. Allele origin: unknown. Affected: yes.

Literature cited by the submitters: PubMed 18546366 (cited by Labcorp Genetics (formerly Invitae), Labcorp and Ambry Genetics); PubMed 32126153 (cited by 3 submitters); PubMed 35885913 (cited by Labcorp Genetics (formerly Invitae), Labcorp); PubMed 17576681 (cited by Labcorp Genetics (formerly Invitae), Labcorp); PubMed 9536098 (cited by Labcorp Genetics (formerly Invitae), Labcorp).